The following is an entry in ClinVar:

ClinVar aggregate classification (germline): Uncertain significance (1 of 4 stars; one submission).

gnomAD v4.1: 7 of 1,613,816 alleles (0.00043%); highest among the groups gnomAD compares: Non-Finnish European, 0.00059%; no homozygotes.

Submission:

GeneDx
Classification: Uncertain significance. Last evaluated: 2023-04-12. Review status: criteria provided, single submitter. Criteria: GeneDx Variant Classification Process June 2021. Collection method: clinical testing. Allele origin: germline. Affected: yes.
Comment: Not observed at significant frequency in large population cohorts (gnomAD); Missense variant in a gene in which most reported pathogenic variants are truncating/loss of function; Has not been previously published as pathogenic or benign to our knowledge

NM_001267550.2(TTN):c.97001C>G (p.Pro32334Arg)

Genes: TTN (titin; minus strand), TTN-AS1 (TTN antisense RNA 1; plus strand). Cytogenetic location: 2q31.2.
Variant type: single nucleotide variant.
Coding change: c.97001C>G on transcript NM_001267550.2 (MANE Select); coding-DNA position 97001, C replaced by G.
Protein change: p.Pro32334Arg; replaces proline 32334 with arginine.
Molecular consequence: missense variant.
Genome position (GRCh38, 1-based): chr2:178,542,853, G>C on the plus strand (C>G on the coding strand, the complement: TTN is on the minus strand). VCF-style: chr2-178542853-G-C. GRCh37 (hg19) VCF-style: chr2-179407580-G-C.
Other names: c.92078C>G, p.Pro30693Arg (NM_001256850.1); c.69806C>G, p.Pro23269Arg (NM_003319.4); c.89297C>G, p.Pro29766Arg (NM_133378.4); c.70181C>G, p.Pro23394Arg (NM_133432.3); c.70382C>G, p.Pro23461Arg (NM_133437.4); short protein forms P23269R, P23394R, P23461R, P29766R, P30693R, P32334R.
Identifiers: ClinVar variation 2662673 (VCV002662673.1), dbSNP rs748395939, ClinGen allele CA349443840.